The following is an entry in ClinVar:

NM_183357.3(ADCY5):c.1647-17T>C

Gene: ADCY5 (adenylate cyclase 5; minus strand). Cytogenetic location: 3q21.1.
Variant type: single nucleotide variant.
Coding change: c.1647-17T>C on transcript NM_183357.3 (MANE Select); 17 bases into the intron before coding-DNA position 1647, T replaced by C.
Molecular consequence: intron variant.
Genome position (GRCh38, 1-based): chr3:123,328,819, A>G on the plus strand (T>C on the coding strand, the complement: ADCY5 is on the minus strand). VCF-style: chr3-123328819-A-G. GRCh37 (hg19) VCF-style: chr3-123047666-A-G.
Other names: c.1647-17T>C (NM_001378259.1); c.597-17T>C (NM_001199642.1).
Identifiers: ClinVar variation 801997 (VCV000801997.22), dbSNP rs9855969, ClinGen allele CA2577401.

ClinVar aggregate classification (germline): Benign. Review status: criteria provided, multiple submitters, no conflicts (2 of 4 stars). 8 submissions from 8 submitters: Benign (6). 2 of the submissions do not count toward it. Last evaluated 2026-02-04.

Conditions:
Dyskinesia with orofacial involvement, autosomal dominant (DSKOD). Also called: Familial Dyskinesia with Facial Myokymia (FDFM); Dyskinesia, familial, with facial myokymia; Familial dyskinesia and facial myokymia. Identifiers: Orphanet 324588, MedGen C1847627, MONDO:0800028, OMIM 606703.

Allele frequency attached by ClinVar (database versions not stated): gnomAD exomes 0.84662; ExAC 0.85154; gnomAD 0.85751 and 0.85943; TOPMed 0.86203; ESP Exome Variant Server 0.86260; 1000 Genomes Project 30x 0.88320; 1000 Genomes Project 0.88518.
gnomAD v4.1: 1,371,624 of 1,612,720 alleles (85%); highest among the groups gnomAD compares: East Asian, 97%; 584,392 homozygotes.

Submissions (8):

Labcorp Genetics (formerly Invitae), Labcorp
Classification: Benign. Last evaluated: 2026-02-04. Review status: criteria provided, single submitter. Criteria: Invitae Variant Classification Sherloc (09022015). Collection method: clinical testing. Allele origin: germline.

Unidad de Genómica Garrahan, Hospital de Pediatría Garrahan
Classification: Benign. Last evaluated: 2024-07-31. Review status: criteria provided, single submitter. Criteria: ACMG Guidelines, 2015. Collection method: clinical testing. Allele origin: germline. Affected: no. Observed: 88 variant alleles.
Comment: This variant is classified as Benign based on local population frequency. This variant was detected in 95% of patients studied in a panel designed for Epileptic and Developmental Encephalopathy, Progressive Myoclonus Epilepsy and Abnormal Movements and Neurodegeneration with brain iron accumulation. Number of patients: 88. Only high quality variants are reported.

Genome-Nilou Lab
Classification: Benign for Dyskinesia with orofacial involvement, autosomal dominant. Last evaluated: 2021-07-14. Review status: criteria provided, single submitter. Criteria: ACMG Guidelines, 2015. Collection method: clinical testing. Allele origin: germline. Affected: no.

Mendelics
Classification: Benign for Dyskinesia with orofacial involvement, autosomal dominant. Last evaluated: 2019-05-28. Review status: criteria provided, single submitter. Criteria: Mendelics Assertion Criteria 2017. Collection method: clinical testing. Allele origin: unknown.

GeneDx
Classification: Benign. Last evaluated: 2018-07-05. Review status: criteria provided, single submitter. Criteria: GeneDx Variant Classification Process June 2021. Collection method: clinical testing. Allele origin: germline. Affected: yes.

Breakthrough Genomics
Classification: Benign. Review status: criteria provided, single submitter. Criteria: ACMG Guidelines, 2015. Collection method: not provided. Allele origin: germline. Inheritance: Autosomal recessive inheritance. Affected: yes.

Diagnostic Laboratory, Department of Genetics, University Medical Center Groningen
Classification: Benign. Review status: no assertion criteria provided. Collection method: clinical testing. Allele origin: germline. Affected: yes. Study: VKGL Data-share Consensus. Not counted in ClinVar's aggregate classification.

Joint Genome Diagnostic Labs from Nijmegen and Maastricht, Radboudumc and MUMC+
Classification: Benign. Review status: no assertion criteria provided. Collection method: clinical testing. Allele origin: germline. Affected: yes. Study: VKGL Data-share Consensus. Not counted in ClinVar's aggregate classification.